The following is an entry in ClinVar:

ClinVar aggregate classification (germline): Pathogenic (1 of 4 stars; one submission).

Conditions:
Ataxia-telangiectasia syndrome (AT). Also called: Ataxia-telangiectasia; LOUIS-BAR SYNDROME; Ataxia-telangiectasia, complementation group D; AT, COMPLEMENTATION GROUP C; ATAXIA-TELANGIECTASIA, COMPLEMENTATION GROUP A; ATAXIA-TELANGIECTASIA, FRESNO VARIANT. Identifiers: Orphanet 100, MedGen C0004135, MONDO:0008840, OMIM 208900.

Submission:

Labcorp Genetics (formerly Invitae), Labcorp
Classification: Pathogenic for Ataxia-telangiectasia syndrome. Last evaluated: 2021-10-21. Review status: criteria provided, single submitter. Criteria: Invitae Variant Classification Sherloc (09022015). Collection method: clinical testing. Allele origin: germline.
Comment: For these reasons, this variant has been classified as Pathogenic. This variant has not been reported in the literature in individuals affected with ATM-related conditions. This variant is not present in population databases (gnomAD no frequency). This sequence change creates a premature translational stop signal (p.Thr2333Tyrfs*40) in the ATM gene. It is expected to result in an absent or disrupted protein product. Loss-of-function variants in ATM are known to be pathogenic (PMID: 23807571, 25614872).

Literature cited by the submitters: PubMed 23807571; PubMed 25614872.

NM_000051.4(ATM):c.6996dup (p.Thr2333fs)

Genes: ATM (ATM serine/threonine kinase; plus strand), C11orf65 (chromosome 11 open reading frame 65; minus strand). Cytogenetic location: 11q22.3.
Variant type: Duplication.
Coding change: c.6996dup on transcript NM_000051.4 (MANE Select); coding-DNA position 6996, one base duplicated (T; older notation c.6996dupT).
Protein change: p.Thr2333fs; shifts the reading frame from threonine 2333.
Molecular consequence: frameshift variant. On other transcripts: intron variant (2).
Genome position (GRCh38, 1-based): chr11:108,327,665, T duplicated; the last of 2 consecutive T bases (chr11:108,327,664-108,327,665); duplicating either gives the same sequence. VCF-style (leftmost placement, unchanged base first): chr11-108327663-C-CT. GRCh37 (hg19) VCF-style: chr11-108198390-C-CT.
Other names: c.6996dup, p.Thr2333fs (NM_001351834.2); c.641-18593dup (NM_001330368.2); c.*38+7556dup (NM_001351110.2); short protein forms T2333fs.
Identifiers: ClinVar variation 1450165 (VCV001450165.8), dbSNP rs2136373820, ClinGen allele CA2573146595.